The following is an entry in ClinVar:

NM_018834.6(MATR3):c.56G>A (p.Arg19His)

Gene: MATR3 (matrin 3; plus strand). Cytogenetic location: 5q31.2.
Variant type: single nucleotide variant.
Coding change: c.56G>A on transcript NM_018834.6 (MANE Select); coding-DNA position 56, G replaced by A.
Protein change: p.Arg19His; replaces arginine 19 with histidine.
Molecular consequence: missense variant. On other transcripts: intron variant (11).
Genome position (GRCh38, 1-based): chr5:139,307,471, G>A. VCF-style: chr5-139307471-G-A. GRCh37 (hg19) VCF-style: chr5-138643160-G-A.
Other names: c.56G>A, p.Arg19His (NM_001194954.2, NM_001194955.2, NM_001400441.1 and 16 more transcripts); c.52-7204G>A (NM_001400459.1); c.-102-7204G>A (NM_001400463.1, NM_001400460.1, NM_001282278.2 and 3 more transcripts); c.-40-8226G>A (NM_001400462.1, NM_001400467.1); c.13-7204G>A (NM_001400461.1); c.49-7204G>A (NM_001194956.2); short protein forms R19H.
Identifiers: ClinVar variation 3123991 (VCV003123991.4), dbSNP rs757397034, ClinGen allele CA3432867.

ClinVar aggregate classification (germline): Uncertain significance. Review status: criteria provided, multiple submitters, no conflicts (2 of 4 stars). 3 submissions from 3 submitters: Uncertain significance (3). Last evaluated 2025-05-19.

Conditions:
Inborn genetic diseases. Identifiers: MedGen C0950123, MeSH D030342.
MATR3-related disorder. Also called: MATR3-related condition.
Amyotrophic lateral sclerosis type 21. Also called: MYOPATHY, DISTAL, 2; VOCAL CORD AND PHARYNGEAL DYSFUNCTION WITH DISTAL MYOPATHY. Identifiers: Orphanet 600, Orphanet 803, MedGen C3807521, MONDO:0011632, OMIM 606070.

Allele frequency attached by ClinVar (database versions not stated): gnomAD exomes below 0.00001; ExAC 0.00001.
gnomAD v4.1: 2 of 1,614,022 alleles (0.00012%); highest among the groups gnomAD compares: Non-Finnish European, 0.000085%; no homozygotes.

Submissions (3):

PreventionGenetics, part of Exact Sciences
Classification: Uncertain significance for MATR3-related condition. Last evaluated: 2025-05-19. Review status: criteria provided, single submitter. Criteria: ACMG Guidelines, 2015. Collection method: clinical testing. Allele origin: germline.
Comment: The MATR3 c.56G>A variant is predicted to result in the amino acid substitution p.Arg19His. To our knowledge, this variant has not been reported in the literature. This variant is reported in 0.00088% of alleles in individuals of European (Non-Finnish) descent in gnomAD. At this time, the clinical significance of this variant is uncertain due to the absence of conclusive functional and genetic evidence.

Labcorp Genetics (formerly Invitae), Labcorp
Classification: Uncertain significance for Amyotrophic lateral sclerosis type 21. Last evaluated: 2025-04-08. Review status: criteria provided, single submitter. Criteria: Invitae Variant Classification Sherloc (09022015). Collection method: clinical testing. Allele origin: germline.
Comment: This sequence change replaces arginine, which is basic and polar, with histidine, which is basic and polar, at codon 19 of the MATR3 protein (p.Arg19His). This variant is present in population databases (rs757397034, gnomAD 0.0009%). This variant has not been reported in the literature in individuals affected with MATR3-related conditions. ClinVar contains an entry for this variant (Variation ID: 3123991). An algorithm developed to predict the effect of missense changes on protein structure and function (PolyPhen-2) suggests that this variant is likely to be disruptive. In summary, the available evidence is currently insufficient to determine the role of this variant in disease. Therefore, it has been classified as a Variant of Uncertain Significance.

Ambry Genetics
Classification: Uncertain significance for Inborn genetic diseases. Last evaluated: 2023-12-16. Review status: criteria provided, single submitter. Criteria: Ambry Variant Classification Scheme 2023. Collection method: clinical testing. Allele origin: germline.